The following is an entry in ClinVar:

NM_000466.3(PEX1):c.99G>C (p.Arg33=)

Gene: PEX1 (peroxisomal biogenesis factor 1; minus strand). Cytogenetic location: 7q21.2.
Variant type: single nucleotide variant.
Coding change: c.99G>C on transcript NM_000466.3 (MANE Select); coding-DNA position 99, G replaced by C.
Protein change: p.Arg33=; no amino-acid change (arginine 33 retained).
Molecular consequence: synonymous variant. On other transcripts: 5 prime UTR variant (1).
Genome position (GRCh38, 1-based): chr7:92,528,337, C>G on the plus strand (G>C on the coding strand, the complement: PEX1 is on the minus strand). VCF-style: chr7-92528337-C-G. GRCh37 (hg19) VCF-style: chr7-92157651-C-G.
Other names: c.99G>C, p.Arg33= (NM_001282677.2); c.-561G>C (NM_001282678.2).
Identifiers: ClinVar variation 3044138 (VCV003044138.2), dbSNP rs2484725536, ClinGen allele CA456484171.

ClinVar aggregate classification (germline): Likely benign (0 of 4 stars; one submission).

Conditions:
PEX1-related disorder. Also called: PEX1-related condition.

Submission:

PreventionGenetics, part of Exact Sciences
Classification: Likely benign for PEX1-related condition. Last evaluated: 2023-05-19. Review status: no assertion criteria provided. Collection method: clinical testing. Allele origin: germline.
Comment: This variant is classified as likely benign based on ACMG/AMP sequence variant interpretation guidelines (Richards et al. 2015 PMID: 25741868, with internal and published modifications).